The following is an entry in ClinVar:

NM_001042492.3(NF1):c.1721+3A>G

Gene: NF1 (neurofibromin 1; plus strand). Cytogenetic location: 17q11.2.
Variant type: single nucleotide variant.
Coding change: c.1721+3A>G on transcript NM_001042492.3 (MANE Select); 3 bases into the intron after coding-DNA position 1721, A replaced by G.
Molecular consequence: intron variant. On other transcripts: missense variant (1).
Genome position (GRCh38, 1-based): chr17:31,221,932, A>G. VCF-style: chr17-31221932-A-G. GRCh37 (hg19) VCF-style: chr17-29548950-A-G.
Other names: p.?; c.1724A>G, p.Tyr575Cys (NM_001128147.3); c.1721+3A>G (NM_000267.4); short protein forms Y575C.
Identifiers: ClinVar variation 374108 (VCV000374108.36), dbSNP rs1057518904, ClinGen allele CA16043521.

ClinVar aggregate classification (germline): Pathogenic/Likely pathogenic. Review status: criteria provided, multiple submitters, no conflicts (2 of 4 stars). 21 submissions from 20 submitters: Pathogenic (19); Likely pathogenic (2). Last evaluated 2026-09-09.

Conditions:
Hereditary cancer-predisposing syndrome. Also called: Hereditary Cancer Syndrome; Hereditary neoplastic syndrome; Neoplastic Syndromes, Hereditary; Tumor predisposition. Identifiers: Orphanet 140162, MedGen C0027672, MeSH D009386, MONDO:0015356.
Neurofibromatosis, type 1 (NF1). Also called: VON RECKLINGHAUSEN DISEASE; NEUROFIBROMATOSIS, TYPE I, SOMATIC; Neurofibromatosis, type I; Peripheral type neurofibromatosis. Identifiers: Orphanet 636, MedGen C0027831, MONDO:0018975, OMIM 162200. Disease mechanism: loss of function.
NF1-related disorder. Also called: NF1-related condition. Identifiers: MedGen CN379171.
Cafe au lait spots, multiple. Also called: Neurofibromatosis type 6. Identifiers: Orphanet 2678, MedGen C1861975, MONDO:0007245, OMIM 114030, HP:0007565. Disease mechanism: loss of function.
Neurofibroma. Identifiers: Orphanet 252183, MedGen C0027830, MeSH D009455, MONDO:0016755, HP:0001067.
Optic nerve glioma. Identifiers: MedGen C0346326, MONDO:0003235, HP:0009734.
Juvenile myelomonocytic leukemia (JMML). Also called: LEUKEMIA, JUVENILE MYELOMONOCYTIC, SOMATIC. Identifiers: Orphanet 86834, MedGen C0349639, MONDO:0011908, OMIM 607785, HP:0012209.

Submissions 1 to 16 of 21:

Myriad Genetics, Inc.
Classification: Pathogenic for Neurofibromatosis, type 1. Last evaluated: 2026-09-09. Review status: criteria provided, single submitter. Criteria: Myriad Autosomal Dominant, Autosomal Recessive and X-Linked Classification Criteria (2023). Collection method: clinical testing. Allele origin: unknown.
Comment: This variant is considered pathogenic. mRNA analysis has demonstrated abnormal mRNA splicing occurs [PMID: 7981679, 18546366]. This variant has been reported in multiple individuals with clinical features of gene-specific disease [PMID: 18546366, 16380919, 31370276, 10712197, 31776437, 33919865, 25325900].

NHS Central & South Genomic Laboratory Hub
Classification: Pathogenic for Neurofibromatosis type 1. Last evaluated: 2026-02-26. Review status: criteria provided, single submitter. Criteria: ACMG Guidelines, 2015. Collection method: clinical testing. Allele origin: germline. Affected: yes.

Labcorp Genetics (formerly Invitae), Labcorp
Classification: Pathogenic for Neurofibromatosis, type 1. Last evaluated: 2025-12-09. Review status: criteria provided, single submitter. Criteria: Invitae Variant Classification Sherloc (09022015). Collection method: clinical testing. Allele origin: germline.
Comment: This sequence change falls in intron 15 of the NF1 gene. It does not directly change the encoded amino acid sequence of the NF1 protein. RNA analysis indicates that this variant induces altered splicing and may result in an absent or altered protein product. This variant is not present in population databases (gnomAD no frequency). This variant has been observed in individuals with neurofibromatosis type 1 (PMID: 7981679, 15146469, 16944272, 18546366, 23404336, 26478990). Invitae Evidence Modeling of clinical and family history, age, sex, and reported ancestry of multiple individuals with this NF1 variant has been performed. This variant is expected to be pathogenic with a positive predictive value of at least 99%. This is a validated machine learning model that incorporates the clinical features of 1,785,918 individuals referred to our laboratory for NF1 testing. This variant is also known as c.1720+3A>G. ClinVar contains an entry for this variant (Variation ID: 374108). Variants that disrupt the consensus splice site are a relatively common cause of aberrant splicing (PMID: 17576681, 9536098). Studies have shown that this variant results in skipping of exon 15, and produces a non-functional protein and/or introduces a premature termination codon (PMID: 7981679; internal data). For these reasons, this variant has been classified as Pathogenic.

Quest Diagnostics Nichols Institute San Juan Capistrano
Classification: Likely pathogenic. Last evaluated: 2025-10-30. Review status: criteria provided, single submitter. Criteria: Quest Diagnostics criteria. Collection method: clinical testing. Allele origin: unknown.
Comment: The NF1 c.1721+3A>G variant has been reported in the published literature in individuals with NF1 (PMID: 32352596 (2020), 10712197 (2000), 22190595 (2012), 26478990 (2015), 26969325 (2016), 7981679 (1994)). Experimental evidence has shown that this variant affects splicing (PMID: 7981679 (1994)). This variant has not been reported in large, multi-ethnic general populations (Genome Aggregation Database). Analysis of this variant using software algorithms for the prediction of the effect of nucleotide changes on splicing yielded predictions that this variant may affect proper NF1 mRNA splicing. Based on the available information, this variant is classified as likely pathogenic .

Genomic Medicine Center of Excellence, King Faisal Specialist Hospital and Research Centre
Classification: Pathogenic for Neurofibromatosis, type 1. Last evaluated: 2025-09-10. Review status: criteria provided, single submitter. Criteria: ACMG Guidelines, 2015. Collection method: clinical testing. Allele origin: germline.

Dasa
Classification: Likely pathogenic. Last evaluated: 2024-12-17. Review status: criteria provided, single submitter. Criteria: DASA Assertion Criteria. Collection method: clinical testing. Allele origin: germline.
Comment: NM_001128147.3(NF1):c.1724A>G (p.Tyr575Cys) is a missense variant that results in the substitution of tyrosine with cysteine. This variant has been recurrently observed in individuals with NF1-related disorders (PMID: 15146469; PMID: 28008555; PMID: 31713330). Segregation data support an association with disease in the reported family/families (PMID: 31713330; PMID: 28008555). Also, this variant is absent from population databases. Computational evidence supports a deleterious effect. Based on the currently available evidence, this variant is classified as likely pathogenic.

Blueprint Genetics
Classification: Pathogenic for NF1-related disorders. Last evaluated: 2024-09-25. Review status: criteria provided, single submitter. Criteria: ACMG Guidelines, 2015. Collection method: clinical testing. Allele origin: germline. Affected: yes. Observed: 1 variant allele.

Institute of Human Genetics, University of Leipzig Medical Center
Classification: Pathogenic for Neurofibromatosis, type 1. Last evaluated: 2024-04-17. Review status: criteria provided, single submitter. Criteria: ACMG Guidelines, 2015. Collection method: clinical testing. Allele origin: unknown. Inheritance: Autosomal dominant inheritance. Affected: yes.
Comment: Criteria applied: PVS1,PS2,PS4_MOD,PM2_SUP,PP4

Women's Health and Genetics/Laboratory Corporation of America, LabCorp
Classification: Pathogenic for Neurofibromatosis, type 1. Last evaluated: 2024-04-08. Review status: criteria provided, single submitter. Criteria: LabCorp Variant Classification Summary - May 2015. Collection method: clinical testing. Allele origin: germline.
Comment: Variant summary: NF1 c.1721+3A>G alters a conserved nucleotide located close to a canonical splice site and therefore could affect mRNA splicing, leading to a significantly altered protein sequence. Several computational tools predict a significant impact on normal splicing: Three predict the variant abolishes a 5' splicing donor site. At least two publications report experimental evidence that this variant affects mRNA splicing, resulting in exon skipping leading to a frameshift (Purandare_1994, Pros_2008). The variant was absent in 225584 control chromosomes (gnomAD). c.1721+3A>G has been reported in the literature in multiple individuals affected with Neurofibromatosis Type 1 (e.g. Purandare_1994, De Luca_2004, Griffiths_2006, Pros_2008.) These data indicate that the variant is very likely to be associated with disease. The following publications have been ascertained in the context of this evaluation (PMID: 7981679, 15146469, 16944272, 18546366). ClinVar contains an entry for this variant (Variation ID: 374108). Based on the evidence outlined above, the variant was classified as pathogenic.

GeneDx
Classification: Pathogenic. Last evaluated: 2023-06-28. Review status: criteria provided, single submitter. Criteria: GeneDx Variant Classification Process June 2021. Collection method: clinical testing. Allele origin: germline. Affected: yes.
Comment: Non-canonical splice site variant demonstrated to result in skipping of exon 11 (Violante et al., 2013; Esposito et al., 2015); Not observed at significant frequency in large population cohorts (gnomAD); In silico analysis is inconclusive as to whether the variant alters gene splicing; Also known as IVS15+3A>G; This variant is associated with the following publications: (PMID: 19845691, 26478990, 7981679, 23404336, 18546366, 26056819, 15146469, 28008555, 10607834, 16944272, 26969325, 10712197, 16380919, 32352596, 31713330, 31370276, 31776437)

Mayo Clinic Laboratories, Mayo Clinic
Classification: Pathogenic. Last evaluated: 2023-06-22. Review status: criteria provided, single submitter. Criteria: ACMG Guidelines, 2015. Collection method: clinical testing. Allele origin: germline. Observed: 1 variant allele.
Comment: PP1, PM2_moderate, PVS1

Medical Genetics, University of Parma
Classification: Pathogenic for Neurofibromatosis, type 1. Last evaluated: 2022-08-17. Review status: criteria provided, single submitter. Criteria: ACMG Guidelines, 2015. Collection method: clinical testing. Allele origin: germline. Inheritance: Autosomal dominant inheritance. Affected: yes.

Baylor Genetics
Classification: Pathogenic for Juvenile myelomonocytic leukemia. Last evaluated: 2022-07-12. Review status: criteria provided, single submitter. Criteria: ACMG Guidelines, 2015. Collection method: clinical testing. Allele origin: unknown.

Genome-Nilou Lab
Classification: Pathogenic for Neurofibromatosis, type 1. Last evaluated: 2022-03-15. Review status: criteria provided, single submitter. Criteria: ACMG Guidelines, 2015. Collection method: clinical testing. Allele origin: germline. Affected: no.

Greenwood Genetic Center Diagnostic Laboratories, Greenwood Genetic Center
Classification: Pathogenic for Neurofibromatosis, type 1. Last evaluated: 2021-11-16. Review status: criteria provided, single submitter. Criteria: ACMG Guidelines, 2015. Collection method: clinical testing. Allele origin: germline. Affected: yes.
Comment: PS3, PS4, PP3, PM2

Department of Molecular Diagnostics, Institute of Oncology Ljubljana
Classification: Pathogenic for Neurofibromatosis, type 1. Last evaluated: 2020-04-02. Review status: criteria provided, single submitter. Criteria: ACMG Guidelines, 2015. Collection method: clinical testing. Allele origin: germline. Affected: yes.